The following is an entry in ClinVar:

NM_005475.3(SH2B3):c.1424T>A (p.Val475Asp)

Gene: SH2B3 (SH2B adaptor protein 3; plus strand). Cytogenetic location: 12q24.12.
Variant type: single nucleotide variant.
Coding change: c.1424T>A on transcript NM_005475.3 (MANE Select); coding-DNA position 1424, T replaced by A.
Protein change: p.Val475Asp; replaces valine 475 with aspartic acid.
Molecular consequence: missense variant.
Genome position (GRCh38, 1-based): chr12:111,447,998, T>A. VCF-style: chr12-111447998-T-A. GRCh37 (hg19) VCF-style: chr12-111885802-T-A.
Other names: c.818T>A, p.Val273Asp (NM_001291424.1); short protein forms V273D, V475D.
Identifiers: ClinVar variation 4864397 (VCV004864397.1).

ClinVar aggregate classification (germline): Uncertain significance (1 of 4 stars; one submission).

Conditions:
Inborn genetic diseases. Identifiers: MedGen C0950123, MeSH D030342.

Submission:

Ambry Genetics
Classification: Uncertain significance for Inborn genetic diseases. Last evaluated: 2026-03-28. Review status: criteria provided, single submitter. Criteria: Ambry Variant Classification Scheme 2023. Collection method: clinical testing. Allele origin: germline.
Comment: The p.V475D variant (also known as c.1424T>A), located in coding exon 7 of the SH2B3 gene, results from a T to A substitution at nucleotide position 1424. The valine at codon 475 is replaced by aspartic acid, an amino acid with highly dissimilar properties. This amino acid position is conserved. In addition, this alteration is predicted to be tolerated by in silico analysis. Based on the available evidence, the clinical significance of this variant remains unclear.